The following is an entry in ClinVar:

ClinVar aggregate classification (germline): Likely benign. Review status: criteria provided, multiple submitters, no conflicts (2 of 4 stars). 2 submissions from 2 submitters: Likely benign (2). Last evaluated 2025-02-05.

Conditions:
POLD1-related polyposis and colorectal cancer syndrome (CRCS10). Also called: Colorectal cancer, susceptibility to, 10; Colorectal cancer 10; COLORECTAL CANCER, SUSCEPTIBILITY TO, ON CHROMOSOME 19q. Identifiers: Orphanet 220460, MedGen C2675481, MONDO:0012953, OMIM 612591.

Allele frequency attached by ClinVar (database versions not stated): TOPMed below 0.00001; gnomAD 0.00001.
gnomAD v4.1: 1 of 1,608,912 alleles (0.000062%); highest among the groups gnomAD compares: African/African-American, 0.0013%; no homozygotes.

Submissions (2):

Myriad Genetics, Inc.
Classification: Likely benign for POLD1-related polyposis and colorectal cancer syndrome. Last evaluated: 2025-02-05. Review status: criteria provided, single submitter. Criteria: Myriad Autosomal Dominant, Autosomal Recessive and X-Linked Classification Criteria (2023). Collection method: clinical testing. Allele origin: unknown.
Comment: This variant is considered likely benign. This variant is intronic and is not expected to impact mRNA splicing.

Labcorp Genetics (formerly Invitae), Labcorp
Classification: Likely benign for POLD1-related polyposis and colorectal cancer syndrome. Last evaluated: 2019-08-11. Review status: criteria provided, single submitter. Criteria: Invitae Variant Classification Sherloc (09022015). Collection method: clinical testing. Allele origin: germline.

NM_002691.4(POLD1):c.1138-6C>T

Gene: POLD1 (DNA polymerase delta 1, catalytic subunit; plus strand). Cytogenetic location: 19q13.33.
Variant type: single nucleotide variant.
Coding change: c.1138-6C>T on transcript NM_002691.4 (MANE Select); 6 bases into the intron before coding-DNA position 1138, C replaced by T.
Molecular consequence: intron variant.
Genome position (GRCh38, 1-based): chr19:50,403,487, C>T. VCF-style: chr19-50403487-C-T. GRCh37 (hg19) VCF-style: chr19-50906744-C-T.
Other names: c.1138-6C>T (NM_001256849.1, NM_001308632.1).
Identifiers: ClinVar variation 1083612 (VCV001083612.10), dbSNP rs1278597997, ClinGen allele CA883216882.